The following is an entry in ClinVar:

ClinVar aggregate classification (germline): Uncertain significance (1 of 4 stars; one submission).

Conditions:
Developmental and epileptic encephalopathy, 32 (DEE32). Also called: Epileptic encephalopathy, early infantile, 32. Identifiers: Orphanet 442835, MedGen C4225350, MONDO:0014607, OMIM 616366.

Submission:

Labcorp Genetics (formerly Invitae), Labcorp
Classification: Uncertain significance for Developmental and epileptic encephalopathy, 32. Last evaluated: 2020-02-27. Review status: criteria provided, single submitter. Criteria: Invitae Variant Classification Sherloc (09022015). Collection method: clinical testing. Allele origin: germline.
Comment: This sequence change replaces leucine with tryptophan at codon 307 of the KCNA2 protein (p.Leu307Trp). The leucine residue is highly conserved and there is a small physicochemical difference between leucine and tryptophan. This variant is not present in population databases (ExAC no frequency). This variant has not been reported in the literature in individuals with KCNA2-related conditions. Algorithms developed to predict the effect of missense changes on protein structure and function (SIFT, PolyPhen-2, Align-GVGD) all suggest that this variant is likely to be disruptive, but these predictions have not been confirmed by published functional studies and their clinical significance is uncertain. In summary, the available evidence is currently insufficient to determine the role of this variant in disease. Therefore, it has been classified as a Variant of Uncertain Significance.

NM_004974.4(KCNA2):c.920T>G (p.Leu307Trp)

Gene: KCNA2 (potassium voltage-gated channel subfamily A member 2; minus strand). Cytogenetic location: 1p13.3.
Variant type: single nucleotide variant.
Coding change: c.920T>G on transcript NM_004974.4 (MANE Select); coding-DNA position 920, T replaced by G.
Protein change: p.Leu307Trp; replaces leucine 307 with tryptophan.
Molecular consequence: missense variant. On other transcripts: intron variant (1).
Genome position (GRCh38, 1-based): chr1:110,603,863, A>C on the plus strand (T>G on the coding strand, the complement: KCNA2 is on the minus strand). VCF-style: chr1-110603863-A-C. GRCh37 (hg19) VCF-style: chr1-111146485-A-C.
Other names: c.894+26T>G (NM_001204269.2); short protein forms L307W.
Identifiers: ClinVar variation 1004548 (VCV001004548.9), dbSNP rs1649471614, ClinGen allele CA341602759.
Genomic context (GRCh38, chr1:110,603,863, plus strand): 5'-TCTCTCATGCTGGCTTTGAGGGTCTGACCTAGAATCTGGAGACCTTTGGAGTGTCTGGAC[A>C]ACTTGAAAATCCTAAAGACTCTTACCAACCGGATGACACGGAGGATGGCCAGTGACATGG-3'
Protein context (NP_004965.1, residues 297-317): RLVRVFRIFK[Leu307Trp]SRHSKGLQIL